The following is an entry in ClinVar:

NM_004519.4(KCNQ3):c.2350C>G (p.Arg784Gly)

Gene: KCNQ3 (potassium voltage-gated channel subfamily Q member 3; minus strand). Cytogenetic location: 8q24.22.
Variant type: single nucleotide variant.
Coding change: c.2350C>G on transcript NM_004519.4 (MANE Select); coding-DNA position 2350, C replaced by G.
Protein change: p.Arg784Gly; replaces arginine 784 with glycine.
Molecular consequence: missense variant.
Genome position (GRCh38, 1-based): chr8:132,129,531, G>C on the plus strand (C>G on the coding strand, the complement: KCNQ3 is on the minus strand). VCF-style: chr8-132129531-G-C. GRCh37 (hg19) VCF-style: chr8-133141778-G-C.
Other names: c.1990C>G, p.Arg664Gly (NM_001204824.2); short protein forms R664G, R784G.
Identifiers: ClinVar variation 4743794 (VCV004743794.1).
Genomic context (GRCh38, chr8:132,129,531, plus strand): 5'-GAGACCTCTCCAGCTCCTCGTGGTTGACCGACATCAGGGACAGAGGTGTGTCACTGTCTC[G>C]CGTGATGCTACGTCTCTGCCGGGGGGAGATTCGGTCCGAGTAGGGGCCCTGCAGGTCAGC-3'
Protein context (NP_004510.1, residues 774-794): ISPRQRRSIT[Arg784Gly]DSDTPLSLMS

ClinVar aggregate classification (germline): Uncertain significance (1 of 4 stars; one submission).

Conditions:
Benign neonatal seizures. Also called: Benign neonatal familial convulsions; Convulsions benign familial neonatal dominant form; Autosomal dominant form of benign neonatal seizures; Benign familial neonatal epilepsy; Benign familial neonatal seizures. Identifiers: Orphanet 1949, MedGen C0220669, MONDO:0016027.

gnomAD v4.1: 14 of 1,614,218 alleles (0.00087%); highest among the groups gnomAD compares: Non-Finnish European, 0.0012%; no homozygotes.

Submission:

Labcorp Genetics (formerly Invitae), Labcorp
Classification: Uncertain significance for Benign neonatal seizures. Last evaluated: 2025-08-11. Review status: criteria provided, single submitter. Criteria: Invitae Variant Classification Sherloc (09022015). Collection method: clinical testing. Allele origin: germline.
Comment: This sequence change replaces arginine, which is basic and polar, with glycine, which is neutral and non-polar, at codon 784 of the KCNQ3 protein (p.Arg784Gly). This variant is present in population databases (rs201380158, gnomAD 0.0009%). This variant has not been reported in the literature in individuals affected with KCNQ3-related conditions. Invitae Evidence Modeling of protein sequence and biophysical properties (such as structural, functional, and spatial information, amino acid conservation, physicochemical variation, residue mobility, and thermodynamic stability) indicates that this missense variant is not expected to disrupt KCNQ3 protein function with a negative predictive value of 95%. In summary, the available evidence is currently insufficient to determine the role of this variant in disease. Therefore, it has been classified as a Variant of Uncertain Significance.